The following is an entry in ClinVar:

NM_018972.4(GDAP1):c.507T>G (p.Ser169=)

Gene: GDAP1 (ganglioside induced differentiation associated protein 1; plus strand). Cytogenetic location: 8q21.11.
Variant type: single nucleotide variant.
Coding change: c.507T>G on transcript NM_018972.4 (MANE Select); coding-DNA position 507, T replaced by G.
Protein change: p.Ser169=; no amino-acid change (serine 169 retained).
Molecular consequence: synonymous variant.
Genome position (GRCh38, 1-based): chr8:74,361,906, T>G. VCF-style: chr8-74361906-T-G. GRCh37 (hg19) VCF-style: chr8-75274141-T-G.
Other names: p.Ser169=; c.303T>G, p.Ser101= (NM_001040875.4); c.180T>G, p.Ser60= (NM_001362929.2, NM_001362932.2); c.333T>G, p.Ser111= (NM_001362930.2); c.507T>G, p.Ser169= (NM_001362931.2).
Identifiers: ClinVar variation 261065 (VCV000261065.27), dbSNP rs11554166, ClinGen allele CA4785127.

ClinVar aggregate classification (germline): Benign. Review status: criteria provided, multiple submitters, no conflicts (2 of 4 stars). 14 submissions from 13 submitters: Benign (10). 4 of the submissions do not count toward it. Last evaluated 2026-02-04.

Conditions:
Charcot-Marie-Tooth disease axonal type 2K (CMT2K). Also called: CHARCOT-MARIE-TOOTH DISEASE, AXONAL, AUTOSOMAL RECESSIVE, TYPE 2K; CHARCOT-MARIE-TOOTH NEUROPATHY, AXONAL, TYPE 2K; Charcot-Marie-Tooth disease type 2K. Identifiers: Orphanet 101097, Orphanet 99944, MedGen C1842983, MONDO:0011916, OMIM 607831.
Charcot-Marie-Tooth disease recessive intermediate A (CMTRIA). Also called: CHARCOT-MARIE-TOOTH NEUROPATHY, RECESSIVE INTERMEDIATE A. Identifiers: Orphanet 217055, MedGen C1842197, MONDO:0012014, OMIM 608340.
Charcot-Marie-Tooth disease type 4A. Also called: Charcot-Marie-Tooth disease, demyelinating, autosomal recessive, type 4a. Identifiers: Orphanet 99948, MedGen C1859198, MONDO:0008961, OMIM 214400.
Charcot-Marie-Tooth disease. Also called: Charcot-Marie-Tooth Hereditary Neuropathy; Charcot-Marie-Tooth Neuropathy. Identifiers: Orphanet 166, MedGen C0007959, MONDO:0015626.
Charcot-Marie-Tooth disease, axonal, with vocal cord paresis, autosomal recessive. Also called: CHARCOT-MARIE-TOOTH DISEASE, TYPE 4A, AXONAL FORM; CHARCOT-MARIE-TOOTH NEUROPATHY, AXONAL, WITH VOCAL CORD PARESIS, AUTOSOMAL RECESSIVE; CMT2 WITH VOCAL CORD PARESIS, AUTOSOMAL RECESSIVE. Identifiers: Orphanet 101097, MedGen C1843183, MONDO:0011898, OMIM 607706.

Allele frequency attached by ClinVar (database versions not stated): 1000 Genomes Project 30x 0.21549; 1000 Genomes Project 0.21925; TOPMed 0.24638; ESP Exome Variant Server 0.25373; gnomAD 0.27295; ExAC 0.27740; gnomAD exomes 0.27925.
gnomAD v4.1: 485,695 of 1,593,766 alleles (30%); highest among the groups gnomAD compares: Non-Finnish European, 33%; 78,134 homozygotes.

Submissions (14):

Labcorp Genetics (formerly Invitae), Labcorp
Classification: Benign for Charcot-Marie-Tooth disease type 4A. Last evaluated: 2026-02-04. Review status: criteria provided, single submitter. Criteria: Invitae Variant Classification Sherloc (09022015). Collection method: clinical testing. Allele origin: germline.

Blueprint Genetics
Classification: Benign. Last evaluated: 2024-11-27. Review status: criteria provided, single submitter. Criteria: ACMG Guidelines, 2015. Collection method: clinical testing. Allele origin: germline.

Mayo Clinic Laboratories, Mayo Clinic
Classification: Benign. Last evaluated: 2022-10-27. Review status: criteria provided, single submitter. Criteria: ACMG Guidelines, 2015. Collection method: clinical testing. Allele origin: germline. Observed: 1,235 variant alleles.

Athena Diagnostics
Classification: Benign. Last evaluated: 2021-04-22. Review status: criteria provided, single submitter. Criteria: Athena Diagnostics Criteria. Collection method: clinical testing. Allele origin: unknown.

Illumina Laboratory Services, Illumina
Classification: Benign for Charcot-Marie-Tooth disease, axonal, with vocal cord paresis, autosomal recessive. Last evaluated: 2018-01-13. Review status: criteria provided, single submitter. Criteria: ICSL Variant Classification Criteria 13 December 2019. Collection method: clinical testing. Allele origin: germline.
Comment: This variant was observed in the ICSL laboratory as part of a predisposition screen in an ostensibly healthy population. It had not been previously curated by ICSL or reported in the Human Gene Mutation Database (HGMD: prior to June 1st, 2018), and was therefore a candidate for classification through an automated scoring system. Utilizing variant allele frequency, disease prevalence and penetrance estimates, and inheritance mode, an automated score was calculated to assess if this variant is too frequent to cause the disease. Based on the score and internal cut-off values, a variant classified as benign is not then subjected to further curation. The score for this variant resulted in a classification of benign for this disease.

Illumina Laboratory Services, Illumina
Classification: Benign for Charcot-Marie-Tooth disease recessive intermediate A. Last evaluated: 2018-01-13. Review status: criteria provided, single submitter. Criteria: ICSL Variant Classification Criteria 13 December 2019. Collection method: clinical testing. Allele origin: germline.
Comment: the same text as in the submission from Illumina Laboratory Services, Illumina above.

GeneDx
Classification: Benign. Last evaluated: 2015-03-03. Review status: criteria provided, single submitter. Criteria: GeneDx Variant Classification Process June 2021. Collection method: clinical testing. Allele origin: germline. Affected: yes.

Breakthrough Genomics
Classification: Benign. Review status: criteria provided, single submitter. Criteria: ACMG Guidelines, 2015. Collection method: not provided. Allele origin: germline. Inheritance: Autosomal recessive inheritance. Affected: yes.

Molecular Genetics Laboratory, London Health Sciences Centre
Classification: Benign for Charcot-Marie-Tooth disease. Review status: criteria provided, single submitter. Criteria: ACMG Guidelines, 2015. Collection method: clinical testing. Allele origin: germline. Affected: yes.

PreventionGenetics, part of Exact Sciences
Classification: Benign. Review status: criteria provided, single submitter. Criteria: ACMG Guidelines, 2015. Collection method: clinical testing. Allele origin: germline.

Inherited Neuropathy Consortium Ii, University Of Miami
Classification: Uncertain significance for Charcot-Marie-Tooth disease axonal type 2K. Last evaluated: 2016-01-06. Review status: no assertion criteria provided. Collection method: literature only. Allele origin: germline. Affected: yes. Not counted in ClinVar's aggregate classification.

Clinical Genetics, Academic Medical Center
Classification: Benign. Review status: no assertion criteria provided. Collection method: clinical testing. Allele origin: germline. Affected: yes. Study: VKGL Data-share Consensus. Not counted in ClinVar's aggregate classification.

Diagnostic Laboratory, Department of Genetics, University Medical Center Groningen
Classification: Benign. Review status: no assertion criteria provided. Collection method: clinical testing. Allele origin: germline. Affected: yes. Study: VKGL Data-share Consensus. Not counted in ClinVar's aggregate classification.

Inherited Neuropathy Consortium
Classification: Uncertain significance. Review status: no assertion criteria provided. Collection method: literature only. Allele origin: germline. Affected: yes. Not counted in ClinVar's aggregate classification.

Literature cited by the submitters: PubMed 12566285 (cited by Inherited Neuropathy Consortium Ii, University Of Miami and Inherited Neuropathy Consortium).